The following is an entry in ClinVar:

NM_016239.4(MYO15A):c.2405G>A (p.Arg802His)

Gene: MYO15A (myosin XVA; plus strand). Cytogenetic location: 17p11.2.
Variant type: single nucleotide variant.
Coding change: c.2405G>A on transcript NM_016239.4 (MANE Select); coding-DNA position 2405, G replaced by A.
Protein change: p.Arg802His; replaces arginine 802 with histidine.
Molecular consequence: missense variant.
Genome position (GRCh38, 1-based): chr17:18,121,205, G>A. VCF-style: chr17-18121205-G-A. GRCh37 (hg19) VCF-style: chr17-18024519-G-A.
Other names: short protein forms R802H.
Identifiers: ClinVar variation 2220300 (VCV002220300.5), dbSNP rs944936367, ClinGen allele CA288388871.

ClinVar aggregate classification (germline): Uncertain significance. Review status: criteria provided, multiple submitters, no conflicts (2 of 4 stars). 3 submissions from 3 submitters: Uncertain significance (3). Last evaluated 2026-07-21.

Conditions:
MYO15A-related disorder. Also called: MYO15A-related condition.
Inborn genetic diseases. Identifiers: MedGen C0950123, MeSH D030342.

gnomAD v4.1: 14 of 1,501,598 alleles (0.00093%); highest among the groups gnomAD compares: African/African-American, 0.0087%; no homozygotes.

Submissions (3):

GeneDx
Classification: Uncertain significance. Last evaluated: 2026-07-21. Review status: criteria provided, single submitter. Criteria: GeneDx Variant Classification Process June 2021. Collection method: clinical testing. Allele origin: germline.
Comment: Not observed at significant frequency in large population cohorts (gnomAD); In silico analysis suggests that this missense variant does not alter protein structure/function; Has not been previously published as pathogenic or benign to our knowledge

PreventionGenetics, part of Exact Sciences
Classification: Uncertain significance for MYO15A-related condition. Last evaluated: 2025-01-16. Review status: criteria provided, single submitter. Criteria: ACMG Guidelines, 2015. Collection method: clinical testing. Allele origin: germline.
Comment: The MYO15A c.2405G>A variant is predicted to result in the amino acid substitution p.Arg802His. To our knowledge, this variant has not been reported in the literature. This variant is reported in 0.0025% of alleles in individuals of European (Non-Finnish) descent in gnomAD. At this time, the clinical significance of this variant is uncertain due to the absence of conclusive functional and genetic evidence.

Ambry Genetics
Classification: Uncertain significance for Inborn genetic diseases. Last evaluated: 2022-11-01. Review status: criteria provided, single submitter. Criteria: Ambry Variant Classification Scheme 2023. Collection method: clinical testing. Allele origin: germline.